The following is an entry in ClinVar:

NM_001267550.2(TTN):c.39565G>T (p.Glu13189Ter)

Gene: TTN (titin; minus strand). Cytogenetic location: 2q31.2.
Variant type: single nucleotide variant.
Coding change: c.39565G>T on transcript NM_001267550.2 (MANE Select); coding-DNA position 39565, G replaced by T.
Protein change: p.Glu13189Ter; replaces glutamic acid 13189 with a stop codon.
Molecular consequence: nonsense. On other transcripts: intron variant (3).
Genome position (GRCh38, 1-based): chr2:178,651,303, C>A on the plus strand (G>T on the coding strand, the complement: TTN is on the minus strand). VCF-style: chr2-178651303-C-A. GRCh37 (hg19) VCF-style: chr2-179516030-C-A.
Other names: c.35044G>T, p.Glu11682Ter (NM_001256850.1); c.32263G>T, p.Glu10755Ter (NM_133378.4); c.13283-8986G>T (NM_003319.4); c.13859-8986G>T (NM_133437.4); c.13658-8986G>T (NM_133432.3); short protein forms E10755*, E11682*, E13189*.
Identifiers: ClinVar variation 4792364 (VCV004792364.1).

ClinVar aggregate classification (germline): Likely pathogenic (1 of 4 stars; one submission).

Conditions:
Autosomal recessive limb-girdle muscular dystrophy type 2J (LGMDR10). Also called: Limb-girdle muscular dystrophy, type 2J; MUSCULAR DYSTROPHY, LIMB-GIRDLE, AUTOSOMAL RECESSIVE 10. Identifiers: Orphanet 140922, MedGen C1837342, MONDO:0012127, OMIM 608807.
Dilated cardiomyopathy 1G (CMD1G). Identifiers: Orphanet 154, MedGen C1858763, MONDO:0011400, OMIM 604145.

Submission:

Labcorp Genetics (formerly Invitae), Labcorp
Classification: Likely pathogenic for Dilated cardiomyopathy 1G; Autosomal recessive limb-girdle muscular dystrophy type 2J. Last evaluated: 2025-06-04. Review status: criteria provided, single submitter. Criteria: Invitae Variant Classification Sherloc (09022015). Collection method: clinical testing. Allele origin: germline.
Comment: This sequence change creates a premature translational stop signal (p.Glu13189*) in the TTN gene. While this is not anticipated to result in nonsense mediated decay, it is expected to create a truncated TTN protein. This variant is not present in population databases (gnomAD no frequency). This variant has not been reported in the literature in individuals affected with TTN-related conditions. Algorithms developed to predict the effect of sequence changes on RNA splicing suggest that this variant may disrupt the consensus splice site. This variant is located in the I band of TTN (PMID: 25589632). Truncating variants in this region have been reported in individuals affected with autosomal recessive centronuclear myopathy (PMID: 23975875, internal data). Truncating variants in this region have also been identified in individuals affected with autosomal dominant dilated cardiomyopathy and/or cardio-related conditions (PMID: 27869827, 32964742, internal data). In summary, the currently available evidence indicates that the variant is pathogenic, but additional data are needed to prove that conclusively. Therefore, this variant has been classified as Likely Pathogenic.

Literature cited by the submitters: PubMed 25589632; PubMed 23975875; PubMed 27869827; PubMed 32964742.